The following is an entry in ClinVar:

ClinVar aggregate classification (germline): Uncertain significance (1 of 4 stars; one submission).

Conditions:
Hereditary cancer-predisposing syndrome. Also called: Neoplastic Syndromes, Hereditary; Tumor predisposition; Hereditary neoplastic syndrome; Hereditary Cancer Syndrome. Identifiers: Orphanet 140162, MedGen C0027672, MeSH D009386, MONDO:0015356.

Submission:

Ambry Genetics
Classification: Uncertain significance for Hereditary cancer-predisposing syndrome. Last evaluated: 2023-12-28. Review status: criteria provided, single submitter. Criteria: Ambry Variant Classification Scheme 2023. Collection method: clinical testing. Allele origin: germline.
Comment: The p.P112A variant (also known as c.334C>G), located in coding exon 3 of the APC gene, results from a C to G substitution at nucleotide position 334. The proline at codon 112 is replaced by alanine, an amino acid with highly similar properties. This amino acid position is highly conserved in available vertebrate species. In addition, in silico predictors for this gene do not accurately predict pathogenicity. Since supporting evidence is limited at this time, the clinical significance of this alteration remains unclear.

NM_000038.6(APC):c.334C>G (p.Pro112Ala)

Gene: APC (APC regulator of Wnt signaling pathway; plus strand). Cytogenetic location: 5q22.2.
Variant type: single nucleotide variant.
Coding change: c.334C>G on transcript NM_000038.6 (MANE Select); coding-DNA position 334, C replaced by G.
Protein change: p.Pro112Ala; replaces proline 112 with alanine.
Molecular consequence: missense variant. On other transcripts: 5 prime UTR variant (4), non-coding transcript variant (2).
Genome position (GRCh38, 1-based): chr5:112,767,302, C>G. VCF-style: chr5-112767302-C-G. GRCh37 (hg19) VCF-style: chr5-112102999-C-G.
Other names: c.334C>G, p.Pro112Ala (NM_001127510.3, NM_001354895.2, NM_001354896.2 and 16 more transcripts); c.364C>G, p.Pro122Ala (NM_001127511.3, NM_001354897.2, NM_001354902.2 and 1 more transcripts); c.259C>G, p.Pro87Ala (NM_001354898.2, NM_001354904.2, NM_001407451.1); c.157C>G, p.Pro53Ala (NM_001354900.2, NM_001354901.2, NM_001354905.2 and 1 more transcripts); c.-702C>G (NM_001354906.2, NM_001407470.1, NM_001407471.1 and 1 more transcripts); short protein forms P112A, P122A, P53A, P87A.
Identifiers: ClinVar variation 3229158 (VCV003229158.1), dbSNP rs1392982680, ClinGen allele CA16022052.